The following is an entry in ClinVar:

NM_001042492.3(NF1):c.5067C>G (p.Tyr1689Ter)

Gene: NF1 (neurofibromin 1; plus strand). Cytogenetic location: 17q11.2.
Variant type: single nucleotide variant.
Coding change: c.5067C>G on transcript NM_001042492.3 (MANE Select); coding-DNA position 5067, C replaced by G.
Protein change: p.Tyr1689Ter; replaces tyrosine 1689 with a stop codon.
Molecular consequence: nonsense.
Genome position (GRCh38, 1-based): chr17:31,326,051, C>G. VCF-style: chr17-31326051-C-G. GRCh37 (hg19) VCF-style: chr17-29653069-C-G.
Other names: c.5004C>G, p.Tyr1668Ter (NM_000267.4); short protein forms Y1689*, Y1668*.
Identifiers: ClinVar variation 2736556 (VCV002736556.3), dbSNP rs756708811, ClinGen allele CA399007439.
Genomic context (GRCh38, chr17:31,326,051, plus strand): 5'-TGCTTACGACAACGTCTCCGCAGTCTATATCTATAACTGTAACTCCTGGGTCAGGGAGTA[C>G]ACCAAGTATCATGAGCGGCTGCTGACTGGCCTCAAAGGTAGCAAAAGGCTTGTTTTCATA-3'

ClinVar aggregate classification (germline): Pathogenic (1 of 4 stars; one submission).

Conditions:
Neurofibromatosis, type 1 (NF1). Also called: Neurofibromatosis, type I; Peripheral type neurofibromatosis; VON RECKLINGHAUSEN DISEASE; NEUROFIBROMATOSIS, TYPE I, SOMATIC. Identifiers: Orphanet 636, MedGen C0027831, MONDO:0018975, OMIM 162200. Disease mechanism: loss of function.

Submission:

Labcorp Genetics (formerly Invitae), Labcorp
Classification: Pathogenic for Neurofibromatosis, type 1. Last evaluated: 2023-05-31. Review status: criteria provided, single submitter. Criteria: Invitae Variant Classification Sherloc (09022015). Collection method: clinical testing. Allele origin: germline.
Comment: For these reasons, this variant has been classified as Pathogenic. This variant has not been reported in the literature in individuals affected with NF1-related conditions. This variant is not present in population databases (gnomAD no frequency). This sequence change creates a premature translational stop signal (p.Tyr1668*) in the NF1 gene. It is expected to result in an absent or disrupted protein product. Loss-of-function variants in NF1 are known to be pathogenic (PMID: 10712197, 23913538).

Literature cited by the submitters: PubMed 10712197; PubMed 23913538.